The following is an entry in ClinVar:

ClinVar aggregate classification (germline): Conflicting classifications of pathogenicity. Review status: criteria provided, conflicting classifications (1 of 4 stars). 2 submissions from 2 submitters: Pathogenic (1); Uncertain significance (1). Last evaluated 2023-06-06.

Conditions:
Retinitis pigmentosa (RP). Identifiers: Orphanet 791, MedGen C0035334, MeSH D012174, MONDO:0019200, OMIM 268000. Inheritance: Autosomal dominant, autosomal recessive and X linked inheritance.

Allele frequency attached by ClinVar (database versions not stated): TOPMed below 0.00001.
gnomAD v4.1: 2 of 1,614,138 alleles (0.00012%); highest among the groups gnomAD compares: South Asian, 0.0011%; no homozygotes.

Submissions (2):

Women's Health and Genetics/Laboratory Corporation of America, LabCorp
Classification: Uncertain significance. Last evaluated: 2023-06-06. Review status: criteria provided, single submitter. Criteria: LabCorp Variant Classification Summary - May 2015. Collection method: clinical testing. Allele origin: germline.
Comment: Variant summary: USH2A c.13283G>T (p.Gly4428Val) results in a non-conservative amino acid change located in the fibronectin type III (IPR003961) of the encoded protein sequence. Five of five in-silico tools predict a damaging effect of the variant on protein function. The variant was absent in 250912 control chromosomes (gnomAD). The available data on variant occurrences in the general population are insufficient to allow any conclusion about variant significance. c.13283G>T has been reported in the literature as a compound heterozygous genotype in an individual affected with retinitis pigmentosa (Weisschuh_2020). This report does not provide unequivocal conclusions about association of the variant with Usher Syndrome. To our knowledge, no experimental evidence demonstrating an impact on protein function has been reported. The following publication has been ascertained in the context of this evaluation (PMID: 32531858). One submitter has provided a clinical-significance assessment for this variant to ClinVar after 2014 and classified the variant as pathogenic. Based on the evidence outlined above, the variant was classified as uncertain significance.

Molecular Genetics Laboratory, Institute for Ophthalmic Research
Classification: Pathogenic for Retinitis pigmentosa. Last evaluated: 2020-01-09. Review status: criteria provided, single submitter. Criteria: ACMG Guidelines, 2015. Collection method: research. Allele origin: germline. Affected: yes.

Literature cited by the submitters: PubMed 32531858 (cited by Women's Health and Genetics/Laboratory Corporation of America, LabCorp).

NM_206933.4(USH2A):c.13283G>T (p.Gly4428Val)

Gene: USH2A (usherin; minus strand). Cytogenetic location: 1q41.
Variant type: single nucleotide variant.
Coding change: c.13283G>T on transcript NM_206933.4 (MANE Select); coding-DNA position 13283, G replaced by T.
Protein change: p.Gly4428Val; replaces glycine 4428 with valine.
Molecular consequence: missense variant.
Genome position (GRCh38, 1-based): chr1:215,674,628, C>A on the plus strand (G>T on the coding strand, the complement: USH2A is on the minus strand). VCF-style: chr1-215674628-C-A. GRCh37 (hg19) VCF-style: chr1-215847970-C-A.
Other names: short protein forms G4428V.
Identifiers: ClinVar variation 813110 (VCV000813110.2), dbSNP rs1234273599, ClinGen allele CA344845869.